The following is an entry in ClinVar:

NM_031407.7(HUWE1):c.12502C>G (p.Leu4168Val)

Gene: HUWE1 (HECT, UBA and WWE domain containing E3 ubiquitin protein ligase 1; minus strand). Cytogenetic location: Xp11.22.
Variant type: single nucleotide variant.
Coding change: c.12502C>G on transcript NM_031407.7 (MANE Select); coding-DNA position 12502, C replaced by G.
Protein change: p.Leu4168Val; replaces leucine 4168 with valine.
Molecular consequence: missense variant.
Genome position (GRCh38, 1-based): chrX:53,536,176, G>C on the plus strand (C>G on the coding strand, the complement: HUWE1 is on the minus strand). VCF-style: chrX-53536176-G-C. GRCh37 (hg19) VCF-style: chrX-53563137-G-C.
Other names: short protein forms L4168V.
Identifiers: ClinVar variation 3253473 (VCV003253473.1), dbSNP rs782693101.

ClinVar aggregate classification (germline): Uncertain significance (1 of 4 stars; one submission).

Submission:

GeneDx
Classification: Uncertain significance. Last evaluated: 2023-09-29. Review status: criteria provided, single submitter. Criteria: GeneDx Variant Classification Process June 2021. Collection method: clinical testing. Allele origin: germline. Affected: yes.
Comment: Not observed at significant frequency in large population cohorts (gnomAD); In silico analysis supports that this missense variant does not alter protein structure/function; Has not been previously published as pathogenic or benign to our knowledge